The following is an entry in ClinVar:

ClinVar aggregate classification (germline): Likely benign (1 of 4 stars; one submission).

Allele frequency attached by ClinVar (database versions not stated): gnomAD exomes 0.00001; TOPMed 0.00001; ExAC 0.00002.
gnomAD v4.1: 13 of 1,602,130 alleles (0.00081%); highest among the groups gnomAD compares: East Asian, 0.0067%; no homozygotes.

Submission:

CeGaT Center for Human Genetics Tuebingen
Classification: Likely benign. Last evaluated: 2024-04-01. Review status: criteria provided, single submitter. Criteria: CeGaT Center For Human Genetics Tuebingen Variant Classification Criteria Version 2. Collection method: clinical testing. Allele origin: germline. Affected: yes. Observed: 1 variant allele.
Comment: DCHS1: BP4, BP7

NM_003737.4(DCHS1):c.6897A>G (p.Thr2299=)

Gene: DCHS1 (dachsous cadherin-related 1; minus strand). Cytogenetic location: 11p15.4.
Variant type: single nucleotide variant.
Coding change: c.6897A>G on transcript NM_003737.4 (MANE Select); coding-DNA position 6897, A replaced by G.
Protein change: p.Thr2299=; no amino-acid change (threonine 2299 retained).
Molecular consequence: synonymous variant.
Genome position (GRCh38, 1-based): chr11:6,625,447, T>C on the plus strand (A>G on the coding strand, the complement: DCHS1 is on the minus strand). VCF-style: chr11-6625447-T-C. GRCh37 (hg19) VCF-style: chr11-6646678-T-C.
Identifiers: ClinVar variation 3234526 (VCV003234526.20), dbSNP rs758361353, ClinGen allele CA5859733.